The following is an entry in ClinVar:

ClinVar aggregate classification (germline): Uncertain significance (1 of 4 stars; one submission).

Conditions:
Neurofibromatosis, type 1 (NF1). Also called: NEUROFIBROMATOSIS, TYPE I, SOMATIC; Neurofibromatosis, type I; Peripheral type neurofibromatosis; VON RECKLINGHAUSEN DISEASE. Identifiers: Orphanet 636, MedGen C0027831, MONDO:0018975, OMIM 162200. Disease mechanism: loss of function.

Submission:

Labcorp Genetics (formerly Invitae), Labcorp
Classification: Uncertain significance for Neurofibromatosis, type 1. Last evaluated: 2023-02-13. Review status: criteria provided, single submitter. Criteria: Invitae Variant Classification Sherloc (09022015). Collection method: clinical testing. Allele origin: germline.
Comment: This variant is not present in population databases (gnomAD no frequency). This sequence change replaces aspartic acid, which is acidic and polar, with glutamic acid, which is acidic and polar, at codon 170 of the NF1 protein (p.Asp170Glu). This variant has not been reported in the literature in individuals affected with NF1-related conditions. Advanced modeling of protein sequence and biophysical properties (such as structural, functional, and spatial information, amino acid conservation, physicochemical variation, residue mobility, and thermodynamic stability) performed at Invitae indicates that this missense variant is not expected to disrupt NF1 protein function. In summary, the available evidence is currently insufficient to determine the role of this variant in disease. Therefore, it has been classified as a Variant of Uncertain Significance.

NM_001042492.3(NF1):c.510C>G (p.Asp170Glu)

Gene: NF1 (neurofibromin 1; plus strand). Cytogenetic location: 17q11.2.
Variant type: single nucleotide variant.
Coding change: c.510C>G on transcript NM_001042492.3 (MANE Select); coding-DNA position 510, C replaced by G.
Protein change: p.Asp170Glu; replaces aspartic acid 170 with glutamic acid.
Molecular consequence: missense variant.
Genome position (GRCh38, 1-based): chr17:31,169,921, C>G. VCF-style: chr17-31169921-C-G. GRCh37 (hg19) VCF-style: chr17-29496939-C-G.
Other names: c.510C>G, p.Asp170Glu (NM_000267.4, NM_001128147.3); short protein forms D170E.
Identifiers: ClinVar variation 3000416 (VCV003000416.3), dbSNP rs1597643788, ClinGen allele CA398984939.